The following is an entry in ClinVar:

NM_003640.5(ELP1):c.2080G>T (p.Gly694Cys)

Gene: ELP1 (elongator acetyltransferase complex subunit 1; minus strand). Cytogenetic location: 9q31.3.
Variant type: single nucleotide variant.
Coding change: c.2080G>T on transcript NM_003640.5 (MANE Select); coding-DNA position 2080, G replaced by T.
Protein change: p.Gly694Cys; replaces glycine 694 with cysteine.
Molecular consequence: missense variant.
Genome position (GRCh38, 1-based): chr9:108,900,310, C>A on the plus strand (G>T on the coding strand, the complement: ELP1 is on the minus strand). VCF-style: chr9-108900310-C-A. GRCh37 (hg19) VCF-style: chr9-111662590-C-A.
Other names: c.1738G>T, p.Gly580Cys (NM_001318360.2); c.1033G>T, p.Gly345Cys (NM_001330749.2); short protein forms G345C, G694C, G580C.
Identifiers: ClinVar variation 1915008 (VCV001915008.5), dbSNP rs1828723187, ClinGen allele CA374423442.
Genomic context (GRCh38, chr9:108,900,310, plus strand): 5'-ACCAGCTTACCTGTAATACAAGCTTTGTGTCCTGGGGCACAACAGTGACAATCCGTGAAC[C>A]CCTCTCCACTTTCCGCAGAACTTCCCCATGGGACACATGATTGCTGCTCAGGCCGGCCTG-3'
Protein context (NP_003631.2, residues 684-704): HGEVLRKVER[Gly694Cys]SRIVTVVPQD

ClinVar aggregate classification (germline): Uncertain significance (1 of 4 stars; one submission).

Allele frequency attached by ClinVar (database versions not stated): gnomAD exomes below 0.00001.
gnomAD v4.1: 1 of 1,614,042 alleles (0.000062%); highest among the groups gnomAD compares: Non-Finnish European, 0.000085%; no homozygotes.

Submission:

Labcorp Genetics (formerly Invitae), Labcorp
Classification: Uncertain significance. Last evaluated: 2022-06-29. Review status: criteria provided, single submitter. Criteria: Invitae Variant Classification Sherloc (09022015). Collection method: clinical testing. Allele origin: germline.
Comment: Algorithms developed to predict the effect of missense changes on protein structure and function (SIFT, PolyPhen-2, Align-GVGD) all suggest that this variant is likely to be disruptive. In summary, the available evidence is currently insufficient to determine the role of this variant in disease. Therefore, it has been classified as a Variant of Uncertain Significance. This variant has not been reported in the literature in individuals affected with ELP1-related conditions. This variant is not present in population databases (gnomAD no frequency). This sequence change replaces glycine, which is neutral and non-polar, with cysteine, which is neutral and slightly polar, at codon 694 of the ELP1 protein (p.Gly694Cys).